The following is an entry in ClinVar:

ClinVar aggregate classification (germline): Uncertain significance (1 of 4 stars; one submission).

Conditions:
Asphyxiating thoracic dystrophy 5 (SRTD5). Also called: SHORT-RIB THORACIC DYSPLASIA 5 WITH OR WITHOUT POLYDACTYLY; SHORT-RIB THORACIC DYSPLASIA 5 WITHOUT POLYDACTYLY. Identifiers: Orphanet 474, MedGen C3280598, MONDO:0013717, OMIM 614376.
Senior-Loken syndrome 8 (SLSN8). Identifiers: Orphanet 3156, MedGen C4225376, MONDO:0014579, OMIM 616307.

Submission:

Labcorp Genetics (formerly Invitae), Labcorp
Classification: Uncertain significance for Senior-Loken syndrome 8; Asphyxiating thoracic dystrophy 5. Last evaluated: 2022-07-15. Review status: criteria provided, single submitter. Criteria: Invitae Variant Classification Sherloc (09022015). Collection method: clinical testing. Allele origin: germline.
Comment: This variant is not present in population databases (gnomAD no frequency). In summary, the available evidence is currently insufficient to determine the role of this variant in disease. Therefore, it has been classified as a Variant of Uncertain Significance. Algorithms developed to predict the effect of missense changes on protein structure and function are either unavailable or do not agree on the potential impact of this missense change (SIFT: "Deleterious"; PolyPhen-2: "Benign"; Align-GVGD: "Class C25"). This missense change has been observed in individual(s) with autosomal recessive short-rib thoracic dysplasia (SRTD) with or without polydactyly (Invitae). In at least one individual the data is consistent with being in trans (on the opposite chromosome) from a pathogenic variant. This sequence change replaces serine, which is neutral and polar, with arginine, which is basic and polar, at codon 280 of the WDR19 protein (p.Ser280Arg).

NM_025132.4(WDR19):c.840C>G (p.Ser280Arg)

Gene: WDR19 (WD repeat domain 19; plus strand). Cytogenetic location: 4p14.
Variant type: single nucleotide variant.
Coding change: c.840C>G on transcript NM_025132.4 (MANE Select); coding-DNA position 840, C replaced by G.
Protein change: p.Ser280Arg; replaces serine 280 with arginine.
Molecular consequence: missense variant.
Genome position (GRCh38, 1-based): chr4:39,205,686, C>G. VCF-style: chr4-39205686-C-G. GRCh37 (hg19) VCF-style: chr4-39207306-C-G.
Other names: c.360C>G, p.Ser120Arg (NM_001317924.2); short protein forms S120R, S280R.
Identifiers: ClinVar variation 2007938 (VCV002007938.4), dbSNP rs1453471605, ClinGen allele CA356634485.
Genomic context (GRCh38, chr4:39,205,686, plus strand): 5'-TACTGGAGAGCTTGGTCAAGAGATATTTCAGGCTCGTAACCATAAAGATAATCTAACCAG[C>G]ATTGCAGTATCACAGACTCTTAACAAAGTTGCTACATGTGGAGATAACTGGTAAGTTATT-3'
Protein context (NP_079408.3, residues 270-290): QARNHKDNLT[Ser280Arg]IAVSQTLNKV